The following is an entry in ClinVar:

ClinVar aggregate classification (germline): Benign/Likely benign. Review status: criteria provided, multiple submitters, no conflicts (2 of 4 stars). 3 submissions from 3 submitters: Benign (1); Likely benign (2). Last evaluated 2024-04-16.

Conditions:
Hereditary cancer-predisposing syndrome. Also called: Tumor predisposition; Neoplastic Syndromes, Hereditary; Hereditary neoplastic syndrome; Hereditary Cancer Syndrome. Identifiers: Orphanet 140162, MedGen C0027672, MeSH D009386, MONDO:0015356.
Familial adenomatous polyposis 1 (FAP1). Also called: FAMILIAL ADENOMATOUS POLYPOSIS 1, ATTENUATED; POLYPOSIS, ADENOMATOUS INTESTINAL. Identifiers: MedGen C2713442, MONDO:0021056, OMIM 175100. Disease mechanism: loss of function.

gnomAD v4.1: 3 of 1,611,568 alleles (0.00019%); highest among the groups gnomAD compares: East Asian, 0.0022%; no homozygotes.

Submissions (3):

Myriad Genetics, Inc.
Classification: Benign for Familial adenomatous polyposis 1. Last evaluated: 2024-04-16. Review status: criteria provided, single submitter. Criteria: Myriad Autosomal Dominant, Autosomal Recessive and X-Linked Classification Criteria (2023). Collection method: clinical testing. Allele origin: unknown.
Comment: This variant is considered benign. This variant is a silent/synonymous amino acid change and it is not expected to impact splicing.

Ambry Genetics
Classification: Likely benign for Hereditary cancer-predisposing syndrome. Last evaluated: 2018-04-09. Review status: criteria provided, single submitter. Criteria: Ambry Variant Classification Scheme 2023. Collection method: clinical testing. Allele origin: germline.

Labcorp Genetics (formerly Invitae), Labcorp
Classification: Likely benign for Familial adenomatous polyposis 1. Last evaluated: 2016-09-22. Review status: criteria provided, single submitter. Criteria: Invitae Variant Classification Sherloc (09022015). Collection method: clinical testing. Allele origin: germline.

NM_000038.6(APC):c.8523A>G (p.Thr2841=)

Gene: APC (APC regulator of Wnt signaling pathway; plus strand). Cytogenetic location: 5q22.2.
Variant type: single nucleotide variant.
Coding change: c.8523A>G on transcript NM_000038.6 (MANE Select); coding-DNA position 8523, A replaced by G.
Protein change: p.Thr2841=; no amino-acid change (threonine 2841 retained).
Molecular consequence: synonymous variant.
Genome position (GRCh38, 1-based): chr5:112,844,117, A>G. VCF-style: chr5-112844117-A-G. GRCh37 (hg19) VCF-style: chr5-112179814-A-G.
Other names: c.8523A>G, p.Thr2841= (NM_001127510.3, NM_001354895.2); c.8469A>G, p.Thr2823= (NM_001127511.3); c.8577A>G, p.Thr2859= (NM_001354896.2); c.8553A>G, p.Thr2851= (NM_001354897.2); c.8448A>G, p.Thr2816= (NM_001354898.2); c.8439A>G, p.Thr2813= (NM_001354899.2); c.8400A>G, p.Thr2800= (NM_001354900.2); c.8346A>G, p.Thr2782= (NM_001354901.2); and 5 more.
Identifiers: ClinVar variation 416750 (VCV000416750.16), dbSNP rs753003333, ClinGen allele CA16611663.